The following is an entry in ClinVar:

NM_001008212.2(OPTN):c.1613-1G>A

Gene: OPTN (optineurin; plus strand). Cytogenetic location: 10p13.
Variant type: single nucleotide variant.
Coding change: c.1613-1G>A on transcript NM_001008212.2 (MANE Select); the canonical splice acceptor site of the intron before coding-DNA position 1613, G replaced by A.
Molecular consequence: splice acceptor variant.
Genome position (GRCh38, 1-based): chr10:13,136,744, G>A. VCF-style: chr10-13136744-G-A. GRCh37 (hg19) VCF-style: chr10-13178744-G-A.
Other names: c.1613-1G>A (NM_001008211.1, NM_001008213.1, NM_021980.4).
Identifiers: ClinVar variation 1985091 (VCV001985091.4), dbSNP rs2539086992, ClinGen allele CA376030633.
Genomic context (GRCh38, chr10:13,136,744, plus strand): 5'-AGTGAAACAAACACAACTGCCTGCAAAATGGAACTAATGGAATTATCATACTTATTCCCA[G>A]GAGCTGAGGACAGGGACTGGCGGCAACAGCGGAATATTCCGATTCATTCCTGCCCCAAGT-3'

ClinVar aggregate classification (germline): Uncertain significance (1 of 4 stars; one submission).

Conditions:
Primary open angle glaucoma (POAG). Also called: OPTN-related open angle glaucoma. Identifiers: MedGen C0339573, MONDO:0100553, OMIM 137760.
Amyotrophic lateral sclerosis type 12 (ALS12). Also called: AMYOTROPHIC LATERAL SCLEROSIS 12 WITH OR WITHOUT FRONTOTEMPORAL DEMENTIA. Identifiers: Orphanet 803, MedGen C3150692, MONDO:0013264, OMIM 613435.
Glaucoma 1, open angle, E. Identifiers: MedGen C1842026, MONDO:0007665.

Allele frequency attached by ClinVar (database versions not stated): gnomAD exomes below 0.00001.
gnomAD v4.1: 2 of 1,614,002 alleles (0.00012%); highest among the groups gnomAD compares: Non-Finnish European, 0.00017%; no homozygotes.

Submission:

Labcorp Genetics (formerly Invitae), Labcorp
Classification: Uncertain significance for Primary open angle glaucoma; Glaucoma 1, open angle, E; Amyotrophic lateral sclerosis type 12. Last evaluated: 2022-09-23. Review status: criteria provided, single submitter. Criteria: Invitae Variant Classification Sherloc (09022015). Collection method: clinical testing. Allele origin: germline.
Comment: This variant has not been reported in the literature in individuals affected with OPTN-related conditions. This sequence change affects an acceptor splice site in intron 13 of the OPTN gene. While this variant is not anticipated to result in nonsense mediated decay, it likely alters RNA splicing and results in a disrupted protein product. This variant is not present in population databases (gnomAD no frequency). Variants that disrupt the consensus splice site are a relatively common cause of aberrant splicing (PMID: 17576681, 9536098). Algorithms developed to predict the effect of sequence changes on RNA splicing suggest that this variant may disrupt the consensus splice site. In summary, the available evidence is currently insufficient to determine the role of this variant in disease. Therefore, it has been classified as a Variant of Uncertain Significance.

Literature cited by the submitters: PubMed 17576681; PubMed 9536098.